The following is an entry in ClinVar:

ClinVar aggregate classification (germline): Uncertain significance (1 of 4 stars; one submission).

Conditions:
Fabry disease. Also called: Fabry's disease; ALPHA-GALACTOSIDASE A DEFICIENCY; ANDERSON-FABRY DISEASE; CERAMIDE TRIHEXOSIDASE DEFICIENCY; GLA DEFICIENCY; HEREDITARY DYSTOPIC LIPIDOSIS. Identifiers: Orphanet 324, MedGen C0002986, MONDO:0010526, OMIM 301500, HP:0001071. Disease mechanism: Fabry disease is due to inactivating mutations in the X-linked GLA gene resulting in deficiency of the enzyme Alpha Galactosidase-A., loss of function.

Submission:

Color Diagnostics, LLC DBA Color Health
Classification: Uncertain significance for Fabry disease. Last evaluated: 2025-05-20. Review status: criteria provided, single submitter. Criteria: ACMG Guidelines, 2015. Collection method: clinical testing. Allele origin: germline.
Comment: This missense variant replaces tyrosine with serine at codon 329 of the GLA protein. Computational prediction suggests that this variant may have a deleterious impact on protein structure and function. To our knowledge, functional studies have not been reported for this variant. This variant has not been reported in individuals affected with GLA-related disorders in the literature. This variant has not been identified in the general population by the Genome Aggregation Database (gnomAD). The available evidence is insufficient to determine the role of this variant in disease conclusively. Therefore, this variant is classified as a Variant of Uncertain Significance.

NM_000169.3(GLA):c.986A>C (p.Tyr329Ser)

Genes: RPL36A-HNRNPH2 (RPL36A-HNRNPH2 readthrough; plus strand), GLA (galactosidase alpha; minus strand). Cytogenetic location: Xq22.1.
Variant type: single nucleotide variant.
Coding change: c.986A>C on transcript NM_000169.3 (MANE Select); coding-DNA position 986, A replaced by C.
Protein change: p.Tyr329Ser; replaces tyrosine 329 with serine.
Molecular consequence: missense variant. On other transcripts: non-coding transcript variant (3), intron variant (2).
Genome position (GRCh38, 1-based): chrX:101,398,383, T>G on the plus strand (A>C on the coding strand, the complement: GLA is on the minus strand). VCF-style: chrX-101398383-T-G. GRCh37 (hg19) VCF-style: chrX-100653371-T-G.
Other names: c.1109A>C, p.Tyr370Ser (NM_001406747.1); c.986A>C, p.Tyr329Ser (NM_001406748.1); c.300+2926T>G (NM_001199973.2); c.177+6561T>G (NM_001199974.2); short protein forms Y329S, Y370S.
Identifiers: ClinVar variation 4756653 (VCV004756653.1).